The following is an entry in ClinVar:

ClinVar aggregate classification (germline): Likely benign. Review status: criteria provided, multiple submitters, no conflicts (2 of 4 stars). 6 submissions from 6 submitters: Likely benign (5). 1 of the submissions does not count toward it. Last evaluated 2025-05-05.

Conditions:
Fanconi anemia (FA). Also called: Fanconi's anemia. Identifiers: Orphanet 84, MedGen C0015625, MeSH D005199, MONDO:0019391.
FANCA-related disorder. Also called: FANCA-related condition.

Allele frequency attached by ClinVar (database versions not stated): gnomAD exomes 0.00012 and 0.00036; ExAC 0.00044; gnomAD 0.00148 and 0.00158; TOPMed 0.00149; 1000 Genomes Project 0.00180; 1000 Genomes Project 30x 0.00219.

Submissions (6):

Quest Diagnostics Nichols Institute San Juan Capistrano
Classification: Likely benign. Last evaluated: 2025-05-05. Review status: criteria provided, single submitter. Criteria: Quest Diagnostics criteria. Collection method: clinical testing. Allele origin: unknown.

Blueprint Genetics
Classification: Likely benign. Last evaluated: 2024-06-05. Review status: criteria provided, single submitter. Criteria: ACMG Guidelines, 2015. Collection method: clinical testing. Allele origin: germline.

Labcorp Genetics (formerly Invitae), Labcorp
Classification: Likely benign for Fanconi anemia. Last evaluated: 2022-11-04. Review status: criteria provided, single submitter. Criteria: Invitae Variant Classification Sherloc (09022015). Collection method: clinical testing. Allele origin: germline.

Sema4
Classification: Likely benign for Fanconi anemia. Last evaluated: 2020-11-30. Review status: criteria provided, single submitter. Criteria: Sema4 Curation Guidelines. Collection method: curation. Allele origin: germline.

Genetic Services Laboratory, University of Chicago
Classification: Likely benign. Last evaluated: 2017-03-07. Review status: criteria provided, single submitter. Criteria: ACMG Guidelines, 2015. Collection method: clinical testing. Allele origin: germline. Affected: no.

PreventionGenetics, part of Exact Sciences
Classification: Likely benign for FANCA-related condition. Last evaluated: 2022-03-28. Review status: no assertion criteria provided. Collection method: clinical testing. Allele origin: germline. Not counted in ClinVar's aggregate classification.
Comment: This variant is classified as likely benign based on ACMG/AMP sequence variant interpretation guidelines (Richards et al. 2015 PMID: 25741868, with internal and published modifications).

NM_000135.4(FANCA):c.754G>A (p.Asp252Asn)

Gene: FANCA (FA complementation group A; minus strand). Cytogenetic location: 16q24.3.
Variant type: single nucleotide variant.
Coding change: c.754G>A on transcript NM_000135.4 (MANE Select); coding-DNA position 754, G replaced by A.
Protein change: p.Asp252Asn; replaces aspartic acid 252 with asparagine.
Molecular consequence: missense variant.
Genome position (GRCh38, 1-based): chr16:89,803,297, C>T on the plus strand (G>A on the coding strand, the complement: FANCA is on the minus strand). VCF-style: chr16-89803297-C-T. GRCh37 (hg19) VCF-style: chr16-89869705-C-T.
Other names: c.754G>A, p.Asp252Asn (NM_001018112.3, NM_001286167.3); c.658G>A, p.Asp220Asn (NM_001351830.2); c.754G>A (LRG_495t1); short protein forms D252N, D220N.
Identifiers: ClinVar variation 435123 (VCV000435123.19), dbSNP rs111944585, ClinGen allele CA8252818.